The following is an entry in ClinVar:

ClinVar aggregate classification (germline): Conflicting classifications of pathogenicity. Review status: criteria provided, conflicting classifications (1 of 4 stars). 2 submissions from 2 submitters: Uncertain significance (1); Benign (1). Last evaluated 2023-06-03.

Conditions:
Cardiovascular phenotype. Identifiers: MedGen CN230736.
Familial hypobetalipoproteinemia 1. Also called: Hypobetalipoproteinemia, normotriglyceridemic; Acanthocytosis with hypobetalipoproteinemia; APOB-Related Familial Hypobetalipoproteinemia. Identifiers: MedGen C4551990, MONDO:0014252, OMIM 615558.
Hypercholesterolemia, autosomal dominant, type B (FHCL2). Also called: Familial Hypercholesterolemia Type B; HYPERCHOLESTEROLEMIA, FAMILIAL, DUE TO LIGAND-DEFECTIVE APOLIPOPROTEIN B; Familial hypercholesterolemia 2; APOB-Related Familial Hypercholesterolemia, Autosomal Dominant; APOLIPOPROTEIN B-100, FAMILIAL DEFECTIVE; APOLIPOPROTEIN B-100, FAMILIAL LIGAND-DEFECTIVE. Identifiers: MedGen C1704417, MONDO:0007751, OMIM 144010.

Allele frequency attached by ClinVar (database versions not stated): gnomAD exomes below 0.00001 and 0.00001; ExAC 0.00001; TOPMed 0.00002; gnomAD 0.00003 and 0.00004.
gnomAD v4.1: 7 of 1,614,030 alleles (0.00043%); highest among the groups gnomAD compares: African/African-American, 0.0093%; no homozygotes.

Submissions (2):

Ambry Genetics
Classification: Uncertain significance for Cardiovascular phenotype. Last evaluated: 2023-06-03. Review status: criteria provided, single submitter. Criteria: Ambry Variant Classification Scheme 2023. Collection method: clinical testing. Allele origin: germline.
Comment: The p.D1997G variant (also known as c.5990A>G), located in coding exon 26 of the APOB gene, results from an A to G substitution at nucleotide position 5990. The aspartic acid at codon 1997 is replaced by glycine, an amino acid with similar properties. This amino acid position is conserved. In addition, this alteration is predicted to be tolerated by in silico analysis. Since supporting evidence is limited at this time, the clinical significance of this alteration remains unclear.

Labcorp Genetics (formerly Invitae), Labcorp
Classification: Benign for Familial hypobetalipoproteinemia 1; Hypercholesterolemia, autosomal dominant, type B. Last evaluated: 2022-12-06. Review status: criteria provided, single submitter. Criteria: Invitae Variant Classification Sherloc (09022015). Collection method: clinical testing. Allele origin: germline.

NM_000384.3(APOB):c.5990A>G (p.Asp1997Gly)

Gene: APOB (apolipoprotein B; minus strand). Cytogenetic location: 2p24.1.
Variant type: single nucleotide variant.
Coding change: c.5990A>G on transcript NM_000384.3 (MANE Select); coding-DNA position 5990, A replaced by G.
Protein change: p.Asp1997Gly; replaces aspartic acid 1997 with glycine.
Molecular consequence: missense variant.
Genome position (GRCh38, 1-based): chr2:21,010,878, T>C on the plus strand (A>G on the coding strand, the complement: APOB is on the minus strand). VCF-style: chr2-21010878-T-C. GRCh37 (hg19) VCF-style: chr2-21233750-T-C.
Other names: short protein forms D1997G.
Identifiers: ClinVar variation 918750 (VCV000918750.9), dbSNP rs752203499, ClinGen allele CA062698.
Genomic context (GRCh38, chr2:21,010,878, plus strand): 5'-AGGTCAGCCAGAGTTCGTCCAGTAAGCTCCACGCCAATTTTATCTTTAGTGTTGTAAGCA[T>C]CCAAGTCCTGGCTGTATTCATTGTTGTTAAATTGGGTCTTGAGTTTCCAGGTGCCTGTCT-3'
Protein context (NP_000375.3, residues 1987-2007): FNNNEYSQDL[Asp1997Gly]AYNTKDKIGV